The following is an entry in ClinVar:

NM_004795.4(KL):c.466G>C (p.Val156Leu)

Gene: KL (klotho; plus strand). Cytogenetic location: 13q13.1.
Variant type: single nucleotide variant.
Coding change: c.466G>C on transcript NM_004795.4 (MANE Select); coding-DNA position 466, G replaced by C.
Protein change: p.Val156Leu; replaces valine 156 with leucine.
Molecular consequence: missense variant.
Genome position (GRCh38, 1-based): chr13:33,016,906, G>C. VCF-style: chr13-33016906-G-C. GRCh37 (hg19) VCF-style: chr13-33591044-G-C.
Other names: short protein forms V156L.
Identifiers: ClinVar variation 2068113 (VCV002068113.4), dbSNP rs1870368955, ClinGen allele CA387781543.

ClinVar aggregate classification (germline): Uncertain significance (1 of 4 stars; one submission).

gnomAD v4.1: 3 of 1,612,056 alleles (0.00019%); highest among the groups gnomAD compares: Non-Finnish European, 0.00025%; no homozygotes.

Submission:

Labcorp Genetics (formerly Invitae), Labcorp
Classification: Uncertain significance. Last evaluated: 2024-02-26. Review status: criteria provided, single submitter. Criteria: Invitae Variant Classification Sherloc (09022015). Collection method: clinical testing. Allele origin: germline.
Comment: This sequence change replaces valine, which is neutral and non-polar, with leucine, which is neutral and non-polar, at codon 156 of the KL protein (p.Val156Leu). This variant is not present in population databases (gnomAD no frequency). This variant has not been reported in the literature in individuals affected with KL-related conditions. ClinVar contains an entry for this variant (Variation ID: 2068113). Advanced modeling of protein sequence and biophysical properties (such as structural, functional, and spatial information, amino acid conservation, physicochemical variation, residue mobility, and thermodynamic stability) performed at Invitae indicates that this missense variant is not expected to disrupt KL protein function with a negative predictive value of 80%. In summary, the available evidence is currently insufficient to determine the role of this variant in disease. Therefore, it has been classified as a Variant of Uncertain Significance.